The following is an entry in ClinVar:

ClinVar aggregate classification (germline): Uncertain significance (1 of 4 stars; one submission).

Submission:

Labcorp Genetics (formerly Invitae), Labcorp
Classification: Uncertain significance. Last evaluated: 2022-06-10. Review status: criteria provided, single submitter. Criteria: Invitae Variant Classification Sherloc (09022015). Collection method: clinical testing. Allele origin: germline.
Comment: This variant has not been reported in the literature in individuals affected with THAP11-related conditions. In summary, the available evidence is currently insufficient to determine the role of this variant in disease. Therefore, it has been classified as a Variant of Uncertain Significance. This variant is not present in population databases (gnomAD no frequency). This variant, c.347_348insGCAGCAGCAGCAGCAGCAACAGCAGCAGCAGCAGCAGCAGCAGCAACAGCAGCA, results in the insertion of 18 amino acid(s) of the THAP11 protein (p.Gln115_Gln132dup), but otherwise preserves the integrity of the reading frame.

NM_020457.3(THAP11):c.347_348insGCAGCAGCAGCAGCAGCAACAGCAGCAGCAGCAGCAGCAGCAGCAACAGCAGCA (p.Gln132_Ser133insGlnGlnGlnGlnGlnGlnGlnGlnGlnGlnGlnGlnGlnGlnGlnGlnGlnGln)

Genes: CENPT (centromere protein T; minus strand), THAP11 (THAP domain containing 11; plus strand). Cytogenetic location: 16q22.1.
Variant type: Insertion.
Coding change: c.347_348insGCAGCAGCAGCAGCAGCAACAGCAGCAGCAGCAGCAGCAGCAGCAACAGCAGCA on transcript NM_020457.3 (MANE Select); coding-DNA positions 347 to 348, GCAGCAGCAGCAGCAGCAACAGCAGCAGCAGCAGCAGCAGCAGCAACAGCAGCA inserted.
Protein change: p.Gln132_Ser133insGlnGlnGlnGlnGlnGlnGlnGlnGlnGlnGlnGlnGlnGlnGlnGlnGlnGln.
Molecular consequence: inframe insertion. On other transcripts: intron variant (1).
Genome position: GRCh38: chr16:67,842,901-67,842,902. GRCh37 (hg19): chr16:67,876,804-67,876,805.
Other names: c.-492+4525_-492+4526insTGCTGCTGTTGCTGCTGCTGCTGCTGCTGCTGCTGTTGCTGCTGCTGCTGCTGC (NM_025082.4).
Identifiers: ClinVar variation 2114822 (VCV002114822.4), dbSNP rs1160212248, ClinGen allele CA2580091809.